The following is an entry in ClinVar:

NM_001042492.3(NF1):c.7870G>C (p.Ala2624Pro)

Gene: NF1 (neurofibromin 1; plus strand). Cytogenetic location: 17q11.2.
Variant type: single nucleotide variant.
Coding change: c.7870G>C on transcript NM_001042492.3 (MANE Select); coding-DNA position 7870, G replaced by C.
Protein change: p.Ala2624Pro; replaces alanine 2624 with proline.
Molecular consequence: missense variant.
Genome position (GRCh38, 1-based): chr17:31,357,269, G>C. VCF-style: chr17-31357269-G-C. GRCh37 (hg19) VCF-style: chr17-29684287-G-C.
Other names: c.7807G>C, p.Ala2603Pro (NM_000267.4); short protein forms A2603P, A2624P.
Identifiers: ClinVar variation 842594 (VCV000842594.9), dbSNP rs1597866802, ClinGen allele CA399018755.

ClinVar aggregate classification (germline): Uncertain significance. Review status: criteria provided, multiple submitters, no conflicts (2 of 4 stars). 2 submissions from 2 submitters: Uncertain significance (2). Last evaluated 2026-06-22.

Conditions:
Neurofibromatosis, type 1 (NF1). Also called: VON RECKLINGHAUSEN DISEASE; NEUROFIBROMATOSIS, TYPE I, SOMATIC; Peripheral type neurofibromatosis; Neurofibromatosis, type I. Identifiers: Orphanet 636, MedGen C0027831, MONDO:0018975, OMIM 162200. Disease mechanism: loss of function.
Hereditary cancer-predisposing syndrome. Also called: Tumor predisposition; Hereditary neoplastic syndrome; Neoplastic Syndromes, Hereditary; Hereditary Cancer Syndrome. Identifiers: Orphanet 140162, MedGen C0027672, MeSH D009386, MONDO:0015356.
Cardiovascular phenotype. Identifiers: MedGen CN230736.

Submissions (2):

Ambry Genetics
Classification: Uncertain significance for Cardiovascular phenotype; Hereditary cancer-predisposing syndrome. Last evaluated: 2026-06-22. Review status: criteria provided, single submitter. Criteria: Ambry Variant Classification Scheme 2023. Collection method: clinical testing. Allele origin: germline.
Comment: The p.A2603P variant (also known as c.7807G>C) is located in coding exon 53 of the NF1 gene. The alanine at codon 2603 is replaced by proline, an amino acid with highly similar properties. This change occurs in the first base pair of coding exon 53. This amino acid position is highly conserved in available vertebrate species. In addition, this alteration is predicted to be deleterious by in silico analysis. Based on the available evidence, the clinical significance of this variant remains unclear.

Labcorp Genetics (formerly Invitae), Labcorp
Classification: Uncertain significance for Neurofibromatosis, type 1. Last evaluated: 2025-07-31. Review status: criteria provided, single submitter. Criteria: Invitae Variant Classification Sherloc (09022015). Collection method: clinical testing. Allele origin: germline.
Comment: This sequence change replaces alanine, which is neutral and non-polar, with proline, which is neutral and non-polar, at codon 2603 of the NF1 protein (p.Ala2603Pro). This variant is not present in population databases (gnomAD no frequency). This variant has not been reported in the literature in individuals affected with NF1-related conditions. ClinVar contains an entry for this variant (Variation ID: 842594). An algorithm developed to predict the effect of missense changes on protein structure and function (PolyPhen-2) suggests that this variant is likely to be disruptive. In summary, the available evidence is currently insufficient to determine the role of this variant in disease. Therefore, it has been classified as a Variant of Uncertain Significance.